The following is an entry in ClinVar:

ClinVar aggregate classification (germline): Uncertain significance (1 of 4 stars; one submission).

gnomAD v4.1: 4 of 1,613,776 alleles (0.00025%); highest among the groups gnomAD compares: Admixed American, 0.0067%; no homozygotes.

Submission:

GeneDx
Classification: Uncertain significance. Last evaluated: 2022-04-06. Review status: criteria provided, single submitter. Criteria: GeneDx Variant Classification Process June 2021. Collection method: clinical testing. Allele origin: germline. Affected: yes.
Comment: In silico analysis supports that this missense variant does not alter protein structure/function; Has not been previously published as pathogenic or benign to our knowledge; Variants in candidate genes are classified as variants of uncertain significance in accordance with ACMG guidelines (Richards et al., 2015)

NM_004947.5(DOCK3):c.5735A>T (p.Asp1912Val)

Gene: DOCK3 (dedicator of cytokinesis 3; plus strand). Cytogenetic location: 3p21.2.
Variant type: single nucleotide variant.
Coding change: c.5735A>T on transcript NM_004947.5 (MANE Select); coding-DNA position 5735, A replaced by T.
Protein change: p.Asp1912Val; replaces aspartic acid 1912 with valine.
Molecular consequence: missense variant.
Genome position (GRCh38, 1-based): chr3:51,381,201, A>T. VCF-style: chr3-51381201-A-T. GRCh37 (hg19) VCF-style: chr3-51418632-A-T.
Other names: short protein forms D1912V.
Identifiers: ClinVar variation 4529696 (VCV004529696.1).